The following is an entry in ClinVar:

NM_018238.4(AGK):c.877+15G>A

Gene: AGK (acylglycerol kinase; plus strand). Cytogenetic location: 7q34.
Variant type: single nucleotide variant.
Coding change: c.877+15G>A on transcript NM_018238.4 (MANE Select); 15 bases into the intron after coding-DNA position 877, G replaced by A.
Molecular consequence: intron variant.
Genome position (GRCh38, 1-based): chr7:141,641,413, G>A. VCF-style: chr7-141641413-G-A. GRCh37 (hg19) VCF-style: chr7-141341213-G-A.
Other names: c.877+15G>A (NM_001364948.3).
Identifiers: ClinVar variation 381287 (VCV000381287.10), dbSNP rs201052151, ClinGen allele CA4517598.

ClinVar aggregate classification (germline): Conflicting classifications of pathogenicity. Review status: criteria provided, conflicting classifications (1 of 4 stars). 5 submissions from 4 submitters: Uncertain significance (2); Benign (1); Likely benign (2). Last evaluated 2025-12-17.

Conditions:
Sengers syndrome. Also called: MITOCHONDRIAL DNA DEPLETION SYNDROME 10 (CARDIOMYOPATHIC TYPE); Cardiomyopathy and cataract. Identifiers: Orphanet 1369, MedGen C1859317, MONDO:0008922, OMIM 212350.
Cataract 38. Also called: Cataract, autosomal recessive congenital 5; Cataract 38, autosomal recessive. Identifiers: Orphanet 91492, MedGen C3553494, MONDO:0013859, OMIM 614691.

Allele frequency attached by ClinVar (database versions not stated): ESP Exome Variant Server 0.00008; gnomAD exomes 0.00021 and 0.00034; ExAC 0.00026; gnomAD 0.00029 and 0.00032; TOPMed 0.00030; 1000 Genomes Project 30x 0.00062; 1000 Genomes Project 0.00080.
gnomAD v4.1: 354 of 1,604,190 alleles (0.022%); highest among the groups gnomAD compares: Middle Eastern, 0.15%; 1 homozygote.

Submissions (5):

Labcorp Genetics (formerly Invitae), Labcorp
Classification: Benign for Sengers syndrome; Cataract 38. Last evaluated: 2025-12-17. Review status: criteria provided, single submitter. Criteria: Invitae Variant Classification Sherloc (09022015). Collection method: clinical testing. Allele origin: germline.

Blueprint Genetics
Classification: Likely benign. Last evaluated: 2024-11-25. Review status: criteria provided, single submitter. Criteria: ACMG Guidelines, 2015. Collection method: clinical testing. Allele origin: germline.

Illumina Laboratory Services, Illumina
Classification: Uncertain significance for Cataract 38. Last evaluated: 2018-01-13. Review status: criteria provided, single submitter. Criteria: ICSL Variant Classification Criteria 13 December 2019. Collection method: clinical testing. Allele origin: germline.

Illumina Laboratory Services, Illumina
Classification: Uncertain significance for Sengers syndrome. Last evaluated: 2018-01-13. Review status: criteria provided, single submitter. Criteria: ICSL Variant Classification Criteria 13 December 2019. Collection method: clinical testing. Allele origin: germline.

GeneDx
Classification: Likely benign. Last evaluated: 2015-11-10. Review status: criteria provided, single submitter. Criteria: GeneDx Variant Classification (06012015). Collection method: clinical testing. Allele origin: germline. Affected: yes.
Comment: This variant is considered likely benign or benign based on one or more of the following criteria: it is a conservative change, it occurs at a poorly conserved position in the protein, it is predicted to be benign by multiple in silico algorithms, and/or has population frequency not consistent with disease.